The following is an entry in ClinVar:

ClinVar aggregate classification (germline): Likely pathogenic (1 of 4 stars; one submission).

Conditions:
Wilson disease (WND). Also called: Wilson's disease. Identifiers: Orphanet 905, MedGen C0019202, MONDO:0010200, OMIM 277900. Disease mechanism: loss of function.

Submission:

Myriad Genetics, Inc.
Classification: Likely pathogenic for Wilson disease. Last evaluated: 2022-02-03. Review status: criteria provided, single submitter. Criteria: Myriad Women's Health Autosomal Recessive and X-Linked Classification Criteria (2021). Collection method: clinical testing. Allele origin: unknown.
Comment: NM_000053.3(ATP7B):c.2947_2950delTGCC(C983Pfs*38) is expected to be pathogenic in the context of Wilson disease. This variant is predicted to lead to an abnormal or absent protein product due to the creation of a premature termination codon in ATP7B, a gene where loss-of-function variants are known to be pathogenic. Please note: this variant was assessed in the context of healthy population screening.

NM_000053.4(ATP7B):c.2947_2950del (p.Cys983fs)

Gene: ATP7B (ATPase copper transporting beta; minus strand). Cytogenetic location: 13q14.3.
Variant type: Microsatellite.
Coding change: c.2947_2950del on transcript NM_000053.4 (MANE Select); coding-DNA positions 2947 to 2950, 4 bases deleted (TGCC; older notation c.2947_2950delTGCC).
Protein change: p.Cys983fs; shifts the reading frame from cysteine 983.
Molecular consequence: frameshift variant.
Genome position (GRCh38, 1-based): chr13:51,946,394-51,946,397, GGCA deleted on the plus strand (TGCC on the coding strand, the reverse complement: ATP7B is on the minus strand); deleting any 4 consecutive bases within chr13:51,946,394-51,946,401 gives the same sequence; the c. name uses the placement nearest the transcript's 3' end. VCF-style (leftmost placement, unchanged base first): chr13-51946393-GGGCA-G. GRCh37 (hg19) VCF-style: chr13-52520529-GGGCA-G.
Other names: c.2889_2892TGCC[1], p.Cys965Profs (NM_001406515.1, NM_001406516.1); c.2847_2850TGCC[1], p.Cys951Profs (NM_001406517.1, NM_001406518.1); c.2326_2329del, p.Cys776fs (NM_001005918.3); c.2614_2617del, p.Cys872fs (NM_001243182.2); c.2943_2946TGCC[1], p.Cys983Profs (NM_001406513.1, NM_001406511.1, NM_001406512.1 and 2 more transcripts); c.2910_2913TGCC[1], p.Cys972Profs (NM_001406514.1); c.2713_2716del, p.Cys905fs (NM_001330578.2); c.2695_2698del, p.Cys899fs (NM_001330579.2); and 14 more; short protein forms C776fs, C872fs, C899fs, C905fs, C983fs.
Identifiers: ClinVar variation 1724278 (VCV001724278.2), dbSNP rs2547647055, ClinGen allele CA2580614732.